The following is an entry in ClinVar:

NM_000101.4(CYBA):c.583G>C (p.Val195Leu)

Gene: CYBA (cytochrome b-245 alpha chain; minus strand). Cytogenetic location: 16q24.2.
Variant type: single nucleotide variant.
Coding change: c.583G>C on transcript NM_000101.4 (MANE Select); coding-DNA position 583, G replaced by C.
Protein change: p.Val195Leu; replaces valine 195 with leucine.
Molecular consequence: missense variant.
Genome position (GRCh38, 1-based): chr16:88,643,358, C>G on the plus strand (G>C on the coding strand, the complement: CYBA is on the minus strand). VCF-style: chr16-88643358-C-G. GRCh37 (hg19) VCF-style: chr16-88709766-C-G.
Other names: short protein forms V195L.
Identifiers: ClinVar variation 3673220 (VCV003673220.2).
Genomic context (GRCh38, chr16:88,643,358, plus strand): 5'-CGCTGCATTTATTGCAGGTGGGTGCACCTGGCGGGAGGGCAGGTCCGGGGCGAGGTCACA[C>G]GACCTCGTCGGTCACCGGGATGGGGTTGACCTGGGGACCTCCCGGGGGTCCCCCCGCCGC-3'
Protein context (NP_000092.2, residues 185-195): VNPIPVTDEV[Val195Leu]

ClinVar aggregate classification (germline): Uncertain significance (1 of 4 stars; one submission).

Conditions:
Granulomatous disease, chronic, autosomal recessive, cytochrome b-negative. Also called: CGD DUE TO DEFICIENCY OF THE ALPHA SUBUNIT OF CYTOCHROME b; CGD, AUTOSOMAL RECESSIVE CYTOCHROME b-NEGATIVE; CYBA DEFICIENCY; GRANULOMATOUS DISEASE, CHRONIC, AUTOSOMAL RECESSIVE, 4; Chronic granulomatous disease, autosomal, due to deficiency of CYBA. Identifiers: Orphanet 379, MedGen C1856255, MONDO:0009308, OMIM 233690.

gnomAD v4.1: 4 of 1,522,888 alleles (0.00026%); highest among the groups gnomAD compares: Non-Finnish European, 0.00026%; no homozygotes.

Submission:

Labcorp Genetics (formerly Invitae), Labcorp
Classification: Uncertain significance for Granulomatous disease, chronic, autosomal recessive, cytochrome b-negative. Last evaluated: 2024-10-07. Review status: criteria provided, single submitter. Criteria: Invitae Variant Classification Sherloc (09022015). Collection method: clinical testing. Allele origin: germline.
Comment: This sequence change replaces valine, which is neutral and non-polar, with leucine, which is neutral and non-polar, at codon 195 of the CYBA protein (p.Val195Leu). This variant is not present in population databases (gnomAD no frequency). This variant has not been reported in the literature in individuals affected with CYBA-related conditions. An algorithm developed to predict the effect of missense changes on protein structure and function (PolyPhen-2) suggests that this variant is likely to be disruptive. In summary, the available evidence is currently insufficient to determine the role of this variant in disease. Therefore, it has been classified as a Variant of Uncertain Significance.